The following is an entry in ClinVar:

ClinVar aggregate classification (germline): Uncertain significance (1 of 4 stars; one submission).

Conditions:
Hyperaldosteronism, familial, type IV (HALD4). Also called: FH IV; ALDOSTERONISM, PRIMARY, AND HYPERTENSION. Identifiers: Orphanet 642671, MedGen C4310756, MONDO:0014875, OMIM 617027.
Idiopathic generalized epilepsy. Also called: Generalised epilepsy; EIG. Identifiers: MedGen C0270850, MONDO:0005579, OMIM 600669.

Allele frequency attached by ClinVar (database versions not stated): gnomAD exomes below 0.00001; TOPMed below 0.00001; gnomAD 0.00001; 1000 Genomes Project 30x 0.00016.
gnomAD v4.1: 3 of 1,549,384 alleles (0.00019%); highest among the groups gnomAD compares: African/African-American, 0.0027%; no homozygotes.

Submission:

Labcorp Genetics (formerly Invitae), Labcorp
Classification: Uncertain significance for Idiopathic generalized epilepsy; Hyperaldosteronism, familial, type IV. Last evaluated: 2022-06-02. Review status: criteria provided, single submitter. Criteria: Invitae Variant Classification Sherloc (09022015). Collection method: clinical testing. Allele origin: germline.
Comment: This sequence change replaces arginine, which is basic and polar, with cysteine, which is neutral and slightly polar, at codon 1819 of the CACNA1H protein (p.Arg1819Cys). This variant is present in population databases (no rsID available, gnomAD 0.01%). This variant has not been reported in the literature in individuals affected with CACNA1H-related conditions. Algorithms developed to predict the effect of missense changes on protein structure and function (SIFT, PolyPhen-2, Align-GVGD) all suggest that this variant is likely to be disruptive. In summary, the available evidence is currently insufficient to determine the role of this variant in disease. Therefore, it has been classified as a Variant of Uncertain Significance.

NM_021098.3(CACNA1H):c.5455C>T (p.Arg1819Cys)

Gene: CACNA1H (calcium voltage-gated channel subunit alpha1 H; plus strand). Cytogenetic location: 16p13.3.
Variant type: single nucleotide variant.
Coding change: c.5455C>T on transcript NM_021098.3 (MANE Select); coding-DNA position 5455, C replaced by T.
Protein change: p.Arg1819Cys; replaces arginine 1819 with cysteine.
Molecular consequence: missense variant.
Genome position (GRCh38, 1-based): chr16:1,218,219, C>T. VCF-style: chr16-1218219-C-T. GRCh37 (hg19) VCF-style: chr16-1268219-C-T.
Other names: c.5437C>T, p.Arg1813Cys (NM_001005407.2); short protein forms R1819C, R1813C.
Identifiers: ClinVar variation 2097164 (VCV002097164.4), dbSNP rs1207672675, ClinGen allele CA394147213.